The following is an entry in ClinVar:

ClinVar aggregate classification (germline): Uncertain significance. Review status: criteria provided, multiple submitters, no conflicts (2 of 4 stars). 3 submissions from 3 submitters: Uncertain significance (3). Last evaluated 2026-06-01.

Conditions:
Hereditary cancer-predisposing syndrome. Also called: Hereditary Cancer Syndrome; Neoplastic Syndromes, Hereditary; Tumor predisposition; Hereditary neoplastic syndrome. Identifiers: Orphanet 140162, MedGen C0027672, MeSH D009386, MONDO:0015356.
Multiple endocrine neoplasia, type 1 (MEN1). Also called: MEA I; MEN I; WERMER SYNDROME; Endocrine adenomatosis multiple; MEN 1. Identifiers: Orphanet 652, MedGen C0025267, MeSH D018761, MONDO:0007540, OMIM 131100.

Allele frequency attached by ClinVar (database versions not stated): gnomAD exomes below 0.00001.
gnomAD v4.1: 1 of 1,614,092 alleles (0.000062%); highest among the groups gnomAD compares: Non-Finnish European, 0.000085%; no homozygotes.

Submissions (3):

Ambry Genetics
Classification: Uncertain significance for Hereditary cancer-predisposing syndrome. Last evaluated: 2026-06-01. Review status: criteria provided, single submitter. Criteria: Ambry Variant Classification Scheme 2023. Collection method: clinical testing. Allele origin: germline.
Comment: The p.G169S variant (also known as c.505G>A), located in coding exon 2 of the MEN1 gene, results from a G to A substitution at nucleotide position 505. The glycine at codon 169 is replaced by serine, an amino acid with similar properties. This amino acid position is highly conserved in available vertebrate species. In addition, this alteration is predicted to be deleterious by in silico analysis. Based on the available evidence, the clinical significance of this variant remains unclear.

Labcorp Genetics (formerly Invitae), Labcorp
Classification: Uncertain significance for Multiple endocrine neoplasia, type 1. Last evaluated: 2025-10-21. Review status: criteria provided, single submitter. Criteria: Invitae Variant Classification Sherloc (09022015). Collection method: clinical testing. Allele origin: germline.
Comment: This sequence change replaces glycine, which is neutral and non-polar, with serine, which is neutral and polar, at codon 169 of the MEN1 protein (p.Gly169Ser). This variant is not present in population databases (gnomAD no frequency). This variant has not been reported in the literature in individuals affected with MEN1-related conditions. ClinVar contains an entry for this variant (Variation ID: 941830). Invitae Evidence Modeling of protein sequence and biophysical properties (such as structural, functional, and spatial information, amino acid conservation, physicochemical variation, residue mobility, and thermodynamic stability) indicates that this missense variant is expected to disrupt MEN1 protein function with a positive predictive value of 95%. In summary, the available evidence is currently insufficient to determine the role of this variant in disease. Therefore, it has been classified as a Variant of Uncertain Significance.

All of Us Research Program, National Institutes of Health
Classification: Uncertain significance for Multiple endocrine neoplasia, type 1. Last evaluated: 2023-04-03. Review status: criteria provided, single submitter. Criteria: ACMG Guidelines, 2015. Collection method: clinical testing. Allele origin: germline. Inheritance: Autosomal dominant inheritance. Observed: 1 variant allele, 1 heterozygote.
Comment: This missense variant replaces glycine with serine at codon 169 of the MEN1 protein. Computational prediction suggests that this variant may have deleterious impact on protein structure and function (internally defined REVEL score threshold >= 0.7, PMID: 27666373). To our knowledge, functional studies have not been reported for this variant. This variant has not been reported in individuals affected with MEN1-related disorders in the literature. This variant has not been identified in the general population by the Genome Aggregation Database (gnomAD). The available evidence is insufficient to determine the role of this variant in disease conclusively. Therefore, this variant is classified as a Variant of Uncertain Significance.

This study involves interpretation of variants in research participants for the purpose of population health screening. Participant phenotype was not available at the time of variant classification. Additional details can be found in publication PMID: 35346344, PMCID: PMC8962531

NM_001370259.2(MEN1):c.505G>A (p.Gly169Ser)

Gene: MEN1 (menin 1; minus strand). Cytogenetic location: 11q13.1.
Variant type: single nucleotide variant.
Coding change: c.505G>A on transcript NM_001370259.2 (MANE Select); coding-DNA position 505, G replaced by A.
Protein change: p.Gly169Ser; replaces glycine 169 with serine.
Molecular consequence: missense variant.
Genome position (GRCh38, 1-based): chr11:64,808,040, C>T on the plus strand (G>A on the coding strand, the complement: MEN1 is on the minus strand). VCF-style: chr11-64808040-C-T. GRCh37 (hg19) VCF-style: chr11-64575512-C-T.
Other names: c.520G>A, p.Gly174Ser (NM_000244.4, NM_130800.3, NM_130801.3 and 3 more transcripts); c.505G>A, p.Gly169Ser (NM_001370251.2, NM_001370260.2, NM_001370261.2 and 3 more transcripts); short protein forms G169S, G174S.
Identifiers: ClinVar variation 941830 (VCV000941830.12), dbSNP rs71526465, ClinGen allele CA223915799.